The following is an entry in ClinVar:

ClinVar aggregate classification (germline): Uncertain significance. Review status: criteria provided, multiple submitters, no conflicts (2 of 4 stars). 2 submissions from 2 submitters: Uncertain significance (2). Last evaluated 2025-04-02.

Conditions:
MYH14-related disorder. Also called: MYH14-related condition.

gnomAD v4.1: 7 of 1,550,764 alleles (0.00045%); highest among the groups gnomAD compares: Admixed American, 0.002%; no homozygotes.

Submissions (2):

PreventionGenetics, part of Exact Sciences
Classification: Uncertain significance for MYH14-related condition. Last evaluated: 2025-04-02. Review status: criteria provided, single submitter. Criteria: ACMG Guidelines, 2015. Collection method: clinical testing. Allele origin: germline.
Comment: The MYH14 c.4213G>A variant is predicted to result in the amino acid substitution p.Gly1405Arg. To our knowledge, this variant has not been reported in the literature. This variant is reported in 0.0017% of alleles in individuals of European (Non-Finnish) descent in gnomAD. At this time, the clinical significance of this variant is uncertain due to the absence of conclusive functional and genetic evidence.

GeneDx
Classification: Uncertain significance. Last evaluated: 2023-02-28. Review status: criteria provided, single submitter. Criteria: GeneDx Variant Classification Process June 2021. Collection method: clinical testing. Allele origin: germline. Affected: yes.
Comment: Not observed at significant frequency in large population cohorts (gnomAD); In silico analysis supports that this missense variant does not alter protein structure/function; Has not been previously published as pathogenic or benign to our knowledge

NM_001145809.2(MYH14):c.4213G>A (p.Gly1405Arg)

Gene: MYH14 (myosin heavy chain 14; plus strand). Cytogenetic location: 19q13.33.
Variant type: single nucleotide variant.
Coding change: c.4213G>A on transcript NM_001145809.2 (MANE Select); coding-DNA position 4213, G replaced by A.
Protein change: p.Gly1405Arg; replaces glycine 1405 with arginine.
Molecular consequence: missense variant.
Genome position (GRCh38, 1-based): chr19:50,280,306, G>A. VCF-style: chr19-50280306-G-A. GRCh37 (hg19) VCF-style: chr19-50783563-G-A.
Other names: c.4213G>A (NM_001145809.1); c.4090G>A, p.Gly1364Arg (NM_024729.4); c.4114G>A, p.Gly1372Arg (NM_001077186.2); short protein forms G1364R, G1372R, G1405R.
Identifiers: ClinVar variation 2578203 (VCV002578203.2), dbSNP rs1261762088, ClinGen allele CA406957557.